The following is an entry in ClinVar:

ClinVar aggregate classification (germline): Conflicting classifications of pathogenicity. Review status: criteria provided, conflicting classifications (1 of 4 stars). 5 submissions from 5 submitters: Uncertain significance (4); Benign (1). Last evaluated 2025-10-16.

Conditions:
Familial adenomatous polyposis 1 (FAP1). Also called: FAMILIAL ADENOMATOUS POLYPOSIS 1, ATTENUATED; POLYPOSIS, ADENOMATOUS INTESTINAL. Identifiers: MedGen C2713442, MONDO:0021056, OMIM 175100. Disease mechanism: loss of function.
Hereditary cancer-predisposing syndrome. Also called: Neoplastic Syndromes, Hereditary; Tumor predisposition; Hereditary Cancer Syndrome; Hereditary neoplastic syndrome. Identifiers: Orphanet 140162, MedGen C0027672, MeSH D009386, MONDO:0015356.

Allele frequency attached by ClinVar (database versions not stated): gnomAD exomes below 0.00001; gnomAD 0.00001; TOPMed 0.00001.
gnomAD v4.1: 2 of 1,613,502 alleles (0.00012%); highest among the groups gnomAD compares: Admixed American, 0.0017%; no homozygotes.

Submissions (5):

Ambry Genetics
Classification: Benign for Hereditary cancer-predisposing syndrome. Last evaluated: 2025-10-16. Review status: criteria provided, single submitter. Criteria: Ambry Variant Classification Scheme 2023. Collection method: clinical testing. Allele origin: germline.

GeneDx
Classification: Uncertain significance. Last evaluated: 2025-02-23. Review status: criteria provided, single submitter. Criteria: GeneDx Variant Classification Process June 2021. Collection method: clinical testing. Allele origin: germline. Affected: yes.
Comment: Not observed at significant frequency in large population cohorts (gnomAD); In silico analysis indicates that this missense variant does not alter protein structure/function; Has not been previously published as pathogenic or benign to our knowledge

Labcorp Genetics (formerly Invitae), Labcorp
Classification: Uncertain significance for Familial adenomatous polyposis 1. Last evaluated: 2024-04-10. Review status: criteria provided, single submitter. Criteria: Invitae Variant Classification Sherloc (09022015). Collection method: clinical testing. Allele origin: germline.
Comment: This sequence change replaces methionine, which is neutral and non-polar, with valine, which is neutral and non-polar, at codon 2404 of the APC protein (p.Met2404Val). This variant is not present in population databases (gnomAD no frequency). This variant has not been reported in the literature in individuals affected with APC-related conditions. ClinVar contains an entry for this variant (Variation ID: 920289). Advanced modeling of protein sequence and biophysical properties (such as structural, functional, and spatial information, amino acid conservation, physicochemical variation, residue mobility, and thermodynamic stability) performed at Invitae indicates that this missense variant is not expected to disrupt APC protein function with a negative predictive value of 95%. In summary, the available evidence is currently insufficient to determine the role of this variant in disease. Therefore, it has been classified as a Variant of Uncertain Significance.

Baylor Genetics
Classification: Uncertain significance for Familial adenomatous polyposis 1. Last evaluated: 2023-05-17. Review status: criteria provided, single submitter. Criteria: ACMG Guidelines, 2015. Collection method: clinical testing. Allele origin: unknown.

Color Diagnostics, LLC DBA Color Health
Classification: Uncertain significance for Hereditary cancer-predisposing syndrome. Last evaluated: 2019-07-12. Review status: criteria provided, single submitter. Criteria: ACMG Guidelines, 2015. Collection method: clinical testing. Allele origin: germline.
Comment: This missense variant replaces methionine with valine at codon 2404 of the APC protein. Computational prediction tools and conservation analyses are inconclusive regarding the impact of this variant on the protein function. Computational splicing tools suggest that this variant may not impact RNA splicing. To our knowledge, functional assays have not been performed for this variant nor has this variant been reported in individuals affected with hereditary cancer in the literature. This variant has not been identified in the general population by the Genome Aggregation Database (gnomAD). Available evidence is insufficient to determine the role of this variant in disease conclusively. Therefore, this variant is classified as a Variant of Uncertain Significance.

NM_000038.6(APC):c.7210A>G (p.Met2404Val)

Gene: APC (APC regulator of Wnt signaling pathway; plus strand). Cytogenetic location: 5q22.2.
Variant type: single nucleotide variant.
Coding change: c.7210A>G on transcript NM_000038.6 (MANE Select); coding-DNA position 7210, A replaced by G.
Protein change: p.Met2404Val; replaces methionine 2404 with valine.
Molecular consequence: missense variant.
Genome position (GRCh38, 1-based): chr5:112,842,804, A>G. VCF-style: chr5-112842804-A-G. GRCh37 (hg19) VCF-style: chr5-112178501-A-G.
Other names: c.7210A>G, p.Met2404Val (NM_001127510.3, NM_001354895.2); c.7156A>G, p.Met2386Val (NM_001127511.3); c.7264A>G, p.Met2422Val (NM_001354896.2); c.7240A>G, p.Met2414Val (NM_001354897.2); c.7135A>G, p.Met2379Val (NM_001354898.2); c.7126A>G, p.Met2376Val (NM_001354899.2); c.7087A>G, p.Met2363Val (NM_001354900.2); c.7033A>G, p.Met2345Val (NM_001354901.2); and 5 more; short protein forms M2121V, M2244V, M2345V, M2363V, M2303V, M2386V, M2278V, M2313V.
Identifiers: ClinVar variation 920289 (VCV000920289.16), dbSNP rs1766413072, ClinGen allele CA16037032.